The following is an entry in ClinVar:

ClinVar aggregate classification (germline): Uncertain significance (1 of 4 stars; one submission).

gnomAD v4.1: 3 of 1,611,946 alleles (0.00019%); highest among the groups gnomAD compares: East Asian, 0.0022%; no homozygotes.

Submission:

Ambry Genetics
Classification: Uncertain significance. Last evaluated: 2024-02-24. Review status: criteria provided, single submitter. Criteria: Ambry Variant Classification Scheme 2023. Collection method: clinical testing. Allele origin: germline.
Comment: The p.R198L variant (also known as c.593G>T), located in coding exon 3 of the GALNT12 gene, results from a G to T substitution at nucleotide position 593. The arginine at codon 198 is replaced by leucine, an amino acid with dissimilar properties. This amino acid position is conserved. In addition, this alteration is predicted to be deleterious by in silico analysis. Since supporting evidence is limited at this time, the clinical significance of this alteration remains unclear.

NM_024642.5(GALNT12):c.593G>T (p.Arg198Leu)

Gene: GALNT12 (polypeptide N-acetylgalactosaminyltransferase 12; plus strand). Cytogenetic location: 9q22.33.
Variant type: single nucleotide variant.
Coding change: c.593G>T on transcript NM_024642.5 (MANE Select); coding-DNA position 593, G replaced by T.
Protein change: p.Arg198Leu; replaces arginine 198 with leucine.
Molecular consequence: missense variant.
Genome position (GRCh38, 1-based): chr9:98,826,803, G>T. VCF-style: chr9-98826803-G-T. GRCh37 (hg19) VCF-style: chr9-101589085-G-T.
Other names: short protein forms R198L.
Identifiers: ClinVar variation 1750616 (VCV001750616.2), dbSNP rs1247073303, ClinGen allele CA374217434.
Genomic context (GRCh38, chr9:98,826,803, plus strand): 5'-CCTCCCTAGAGCACCTGAAGGAGCGCTTGGCCAATGAGCTTTCGGGACTGCCCAAGGTGC[G>T]CCTGATCCGCGCCAACAAGAGAGAGGGCCTGGTGCGAGCCCGGCTGCTGGGGGCGTCTGC-3'
Protein context (NP_078918.3, residues 188-208): ANELSGLPKV[Arg198Leu]LIRANKREGL